The following is an entry in ClinVar:

ClinVar aggregate classification (germline): Uncertain significance (1 of 4 stars; one submission).

Conditions:
Neuroblastoma, susceptibility to, 3. Also called: ALK-Related Neuroblastic Tumor Susceptibility. Identifiers: Orphanet 635, MedGen C2751681, MONDO:0013083, OMIM 613014.

Submissions (2):

Labcorp Genetics (formerly Invitae), Labcorp
Classification: Uncertain significance for Neuroblastoma, susceptibility to, 3. Last evaluated: 2022-03-22. Review status: criteria provided, single submitter. Criteria: Invitae Variant Classification Sherloc (09022015). Collection method: clinical testing. Allele origin: germline.
Comment: In summary, the available evidence is currently insufficient to determine the role of this variant in disease. Therefore, it has been classified as a Variant of Uncertain Significance. Algorithms developed to predict the effect of sequence changes on RNA splicing suggest that this variant may disrupt the consensus splice site. This variant has not been reported in the literature in individuals affected with ALK-related conditions. This variant is not present in population databases (gnomAD no frequency). This sequence change affects a donor splice site in intron 18 of the ALK gene. It is expected to disrupt RNA splicing. Variants that disrupt the donor or acceptor splice site typically lead to a loss of protein function (PMID: 16199547), however the current clinical and genetic evidence is not sufficient to establish whether loss-of-function variants in ALK cause disease.

Dr. Peter K. Rogan Lab, Western University
No classification provided (evidence only). Condition: Ovarian serous cystadenocarcinoma. Review status: no classification provided. Collection method: in vitro. Allele origin: not applicable. Functional consequence: retained intron. Not counted in ClinVar's aggregate classification.

Literature cited by the submitters: PubMed 16199547 (cited by Labcorp Genetics (formerly Invitae), Labcorp).

NM_004304.5(ALK):c.3067+1G>T

Gene: ALK (ALK receptor tyrosine kinase; minus strand). Cytogenetic location: 2p23.2.
Variant type: single nucleotide variant.
Coding change: c.3067+1G>T on transcript NM_004304.5 (MANE Select); the canonical splice donor site of the intron after coding-DNA position 3067, G replaced by T.
Molecular consequence: splice donor variant.
Genome position (GRCh38, 1-based): chr2:29,226,921, C>A on the plus strand (G>T on the coding strand, the complement: ALK is on the minus strand). VCF-style: chr2-29226921-C-A. GRCh37 (hg19) VCF-style: chr2-29449787-C-A.
Identifiers: ClinVar variation 1426854 (VCV001426854.7), dbSNP rs2148178263, ClinGen allele CA346467523.